The following is an entry in ClinVar:

ClinVar aggregate classification (germline): Pathogenic/Likely pathogenic. Review status: criteria provided, multiple submitters, no conflicts (2 of 4 stars). 3 submissions from 3 submitters: Pathogenic (1); Likely pathogenic (2). Last evaluated 2025-10-25.

Conditions:
EYS-related disorder. Also called: EYS-related condition.
Retinitis pigmentosa 25 (RP25). Identifiers: Orphanet 791, MedGen C1864446, MONDO:0011272, OMIM 602772.

Submissions (3):

Myriad Genetics, Inc.
Classification: Pathogenic for Retinitis pigmentosa 25. Last evaluated: 2025-10-25. Review status: criteria provided, single submitter. Criteria: Myriad Autosomal Dominant, Autosomal Recessive and X-Linked Classification Criteria (2023). Collection method: clinical testing. Allele origin: unknown.
Comment: NM_001142800.1(EYS):c.3606C>A(C1202*) is expected to be pathogenic in the context of retinitis pigmentosa, EYS-related. This variant is predicted to lead to an abnormal or absent protein product due to the creation of a premature termination codon in EYS, a gene where loss-of-function variants are known to be pathogenic. Please note: this variant was assessed in the context of healthy population screening.

Blueprint Genetics
Classification: Likely pathogenic for EYS-related disorders. Last evaluated: 2021-11-09. Review status: criteria provided, single submitter. Criteria: ACMG Guidelines, 2015. Collection method: clinical testing. Allele origin: germline. Affected: yes. Observed: 1 variant allele.

Ocular Genomics Institute, Massachusetts Eye and Ear
Classification: Likely pathogenic for Retinitis pigmentosa 25. Last evaluated: 2021-04-08. Review status: criteria provided, single submitter. Criteria: ACMG Guidelines, 2015. Collection method: research. Allele origin: germline. Affected: yes.
Comment: Through a review of available evidence we were able to apply the following criteria: PVS1, PM2. Based on this evidence we have classified this variant as Likely Pathogenic.

NM_001142800.2(EYS):c.3606C>A (p.Cys1202Ter)

Gene: EYS (EGF-like photoreceptor maintenance factor; minus strand). Cytogenetic location: 6q12.
Variant type: single nucleotide variant.
Coding change: c.3606C>A on transcript NM_001142800.2 (MANE Select); coding-DNA position 3606, C replaced by A.
Protein change: p.Cys1202Ter; replaces cysteine 1202 with a stop codon.
Molecular consequence: nonsense.
Genome position (GRCh38, 1-based): chr6:64,617,496, G>T on the plus strand (C>A on the coding strand, the complement: EYS is on the minus strand). VCF-style: chr6-64617496-G-T. GRCh37 (hg19) VCF-style: chr6-65327389-G-T.
Other names: c.3606C>A, p.Cys1202Ter (NM_001292009.2); short protein forms C1202*.
Identifiers: ClinVar variation 1065698 (VCV001065698.3), dbSNP rs1297699863, ClinGen allele CA364785144.
Genomic context (GRCh38, chr6:64,617,496, plus strand): 5'-TAAACATGTCGAGCCAGGTTCATTCTCCATGCAGAGTTCATGAACACATGAGTTGGGAAT[G>T]CACTCAAGCTCATTCTCACAGTGGTGTCCAGACCATCCTGTTCAACAAAATTACAAAGCA-3'